The following is an entry in ClinVar:

ClinVar aggregate classification (germline): Likely benign (0 of 4 stars; one submission).

Conditions:
RAI1-related disorder. Also called: RAI1-related condition.

gnomAD v4.1: 2 of 1,613,134 alleles (0.00012%); highest among the groups gnomAD compares: Non-Finnish European, 0.00017%; no homozygotes.

Submission:

PreventionGenetics, part of Exact Sciences
Classification: Likely benign for RAI1-related condition. Last evaluated: 2024-06-21. Review status: no assertion criteria provided. Collection method: clinical testing. Allele origin: germline.
Comment: This variant is classified as likely benign based on ACMG/AMP sequence variant interpretation guidelines (Richards et al. 2015 PMID: 25741868, with internal and published modifications).

NM_030665.4(RAI1):c.1377G>A (p.Val459=)

Gene: RAI1 (retinoic acid induced 1; plus strand). Cytogenetic location: 17p11.2.
Variant type: single nucleotide variant.
Coding change: c.1377G>A on transcript NM_030665.4 (MANE Select); coding-DNA position 1377, G replaced by A.
Protein change: p.Val459=; no amino-acid change (valine 459 retained).
Molecular consequence: synonymous variant.
Genome position (GRCh38, 1-based): chr17:17,794,325, G>A. VCF-style: chr17-17794325-G-A. GRCh37 (hg19) VCF-style: chr17-17697639-G-A.
Identifiers: ClinVar variation 3350581 (VCV003350581.1).